The following is an entry in ClinVar:

ClinVar aggregate classification (germline): Conflicting classifications of pathogenicity. Review status: criteria provided, conflicting classifications (1 of 4 stars). 5 submissions from 5 submitters: Uncertain significance (4); Likely benign (1). Last evaluated 2025-12-16.

Conditions:
Familial thoracic aortic aneurysm and aortic dissection (TAAD). Also called: Thoracic aortic aneurysms and dissections. Identifiers: Orphanet 91387, MedGen C4707243, MONDO:0019625.
Congenital contractural arachnodactyly (CCA). Also called: Arthrogryposis, distal, type 9; BEALS SYNDROME; Beals-Hecht syndrome. Identifiers: Orphanet 115, MedGen C0220668, MONDO:0007363, OMIM 121050.
Primary dilated cardiomyopathy (DCM). Also called: Dilated Cardiomyopathy. Identifiers: Orphanet 217604, MedGen C0007193, MeSH D002311, MONDO:0005021, HP:0001644. Inheritance: Various modes of inheritance.

Allele frequency attached by ClinVar (database versions not stated): gnomAD exomes 0.00002 and below 0.00001; TOPMed 0.00002.
gnomAD v4.1: 23 of 1,614,154 alleles (0.0014%); highest among the groups gnomAD compares: East Asian, 0.0022%; no homozygotes.

Submissions (5):

Ambry Genetics
Classification: Uncertain significance for Familial thoracic aortic aneurysm and aortic dissection. Last evaluated: 2025-12-16. Review status: criteria provided, single submitter. Criteria: Ambry Variant Classification Scheme 2023. Collection method: clinical testing. Allele origin: germline.
Comment: The p.S893R variant (also known as c.2679C>G), located in coding exon 21 of the FBN2 gene, results from a C to G substitution at nucleotide position 2679. The serine at codon 893 is replaced by arginine, an amino acid with dissimilar properties. This amino acid position is conserved. In addition, this alteration is predicted to be deleterious by in silico analysis. Based on the available evidence, the clinical significance of this variant remains unclear.

Labcorp Genetics (formerly Invitae), Labcorp
Classification: Likely benign for Congenital contractural arachnodactyly. Last evaluated: 2025-11-12. Review status: criteria provided, single submitter. Criteria: Invitae Variant Classification Sherloc (09022015). Collection method: clinical testing. Allele origin: germline.

Clinical Center for Gene Diagnosis and Therapy, Department of Cardiovascular Surgery, The Second Xiangya Hospital of Central South University
Classification: Uncertain significance for Primary dilated cardiomyopathy. Last evaluated: 2023-06-01. Review status: criteria provided, single submitter. Criteria: ACMG Guidelines, 2015. Collection method: clinical testing. Allele origin: germline. Affected: yes.

AiLife Diagnostics
Classification: Uncertain significance. Last evaluated: 2022-01-26. Review status: criteria provided, single submitter. Criteria: ACMG Guidelines, 2015. Collection method: clinical testing. Allele origin: germline. Affected: yes. Observed: 1 variant allele.

GeneDx
Classification: Uncertain significance. Last evaluated: 2015-12-11. Review status: criteria provided, single submitter. Criteria: GeneDx Variant Classification (06012015). Collection method: clinical testing. Allele origin: germline. Affected: yes.
Comment: p.Ser893Arg (AGC>AGG): c.2679 C>G in exon 21 of the FBN2 gene (NM_001999.3) The S893R variant in the FBN2 gene has not been reported as a disease-causing mutation or as a benign polymorphism to our knowledge. S893R results in a semi-conservative amino acid substitution of one small, neutral residue (Ser) being replaced by a larger, positively charged residue (Arg) at a position that is conserved across species. The S893R variant was not observed in approximately 6,500 individuals of European and African American ancestry in the NHLBI Exome Sequencing Project, indicating it is not a common benign variant in these populations. In silico analysis predicts S893R is damaging to the protein structure/function. However, missense mutations in nearby residues have not been reported, indicating this region of the protein may tolerate change. In summary, while S893R is a good candidate for a disease-causing mutation, with the clinical and molecular information available at this time we cannot unequivocally determine the clinical significance of this variant. This variant was found in TAAD

NM_001999.4(FBN2):c.2679C>G (p.Ser893Arg)

Gene: FBN2 (fibrillin 2; minus strand). Cytogenetic location: 5q23.3.
Variant type: single nucleotide variant.
Coding change: c.2679C>G on transcript NM_001999.4 (MANE Select); coding-DNA position 2679, C replaced by G.
Protein change: p.Ser893Arg; replaces serine 893 with arginine.
Molecular consequence: missense variant.
Genome position (GRCh38, 1-based): chr5:128,351,001, G>C on the plus strand (C>G on the coding strand, the complement: FBN2 is on the minus strand). VCF-style: chr5-128351001-G-C. GRCh37 (hg19) VCF-style: chr5-127686693-G-C.
Other names: short protein forms S893R.
Identifiers: ClinVar variation 213290 (VCV000213290.16), dbSNP rs778473524, ClinGen allele CA321566.